The following is an entry in ClinVar:

NM_033305.3(VPS13A):c.6485A>T (p.Asn2162Ile)

Gene: VPS13A (vacuolar protein sorting 13 homolog A; plus strand). Cytogenetic location: 9q21.2.
Variant type: single nucleotide variant.
Coding change: c.6485A>T on transcript NM_033305.3 (MANE Select); coding-DNA position 6485, A replaced by T.
Protein change: p.Asn2162Ile; replaces asparagine 2162 with isoleucine.
Molecular consequence: missense variant.
Genome position (GRCh38, 1-based): chr9:77,339,622, A>T. VCF-style: chr9-77339622-A-T. GRCh37 (hg19) VCF-style: chr9-79954538-A-T.
Other names: c.6368A>T, p.Asn2123Ile (NM_001018037.2); c.6485A>T, p.Asn2162Ile (NM_001018038.3, NM_015186.4); short protein forms N2123I, N2162I.
Identifiers: ClinVar variation 931768 (VCV000931768.3), dbSNP rs769503145, ClinGen allele CA373850422.

ClinVar aggregate classification (germline): Uncertain significance (1 of 4 stars; one submission).

Conditions:
VPS13A-related neurodegenerative disease. Also called: VPS13A Disease; Choreaacanthocytosis; Chorea-acanthocytosis; LEVINE-CRITCHLEY SYNDROME; Choreoacanthocytosis; ACANTHOCYTOSIS WITH NEUROLOGIC DISORDER. Identifiers: Orphanet 2388, MedGen C0393576, MONDO:0008695, OMIM 200150.

gnomAD v4.1: 3 of 1,613,442 alleles (0.00019%); highest among the groups gnomAD compares: Non-Finnish European, 0.00025%; no homozygotes.

Submission:

Centre for Mendelian Genomics, University Medical Centre Ljubljana
Classification: Uncertain significance for VPS13A-related neurodegenerative disease. Last evaluated: 2018-11-07. Review status: criteria provided, single submitter. Criteria: ACMG Guidelines, 2015. Collection method: clinical testing. Allele origin: unknown. Affected: yes.
Comment: This variant was classified as: Uncertain significance. The available evidence on this variant's pathogenicity is insufficient or conflicting. The following ACMG criteria were applied in classifying this variant: PM2,PP3.